The following is an entry in ClinVar:

ClinVar aggregate classification (germline): Uncertain significance (1 of 4 stars; one submission).

Conditions:
DTNA-related disorder. Also called: DTNA-related condition.

gnomAD v4.1: 6 of 1,614,020 alleles (0.00037%); highest among the groups gnomAD compares: South Asian, 0.0033%; no homozygotes.

Submission:

PreventionGenetics, part of Exact Sciences
Classification: Uncertain significance for DTNA-related condition. Last evaluated: 2025-03-24. Review status: criteria provided, single submitter. Criteria: ACMG Guidelines, 2015. Collection method: clinical testing. Allele origin: germline.
Comment: The DTNA c.982C>T variant is predicted to result in the amino acid substitution p.Leu328Phe. To our knowledge, this variant has not been reported in the literature. This variant is reported in 0.0065% of alleles in individuals of South Asian descent in gnomAD. At this time, the clinical significance of this variant is uncertain due to the absence of conclusive functional and genetic evidence.

NM_001386795.1(DTNA):c.982C>T (p.Leu328Phe)

Gene: DTNA (dystrobrevin alpha; plus strand). Cytogenetic location: 18q12.1.
Variant type: single nucleotide variant.
Coding change: c.982C>T on transcript NM_001386795.1 (MANE Select); coding-DNA position 982, C replaced by T.
Protein change: p.Leu328Phe; replaces leucine 328 with phenylalanine.
Molecular consequence: missense variant. On other transcripts: intron variant (1).
Genome position (GRCh38, 1-based): chr18:34,820,896, C>T. VCF-style: chr18-34820896-C-T. GRCh37 (hg19) VCF-style: chr18-32400860-C-T.
Other names: c.982C>T, p.Leu328Phe (NM_001128175.2, NM_001198938.2, NM_001198939.2 and 34 more transcripts); c.28C>T, p.Leu10Phe (NM_001198942.1, NM_001198944.1, NM_032980.4 and 1 more transcripts); c.232C>T, p.Leu78Phe (NM_001198943.1); c.603+8783C>T (NM_001198945.2); short protein forms L10F, L328F, L78F.
Identifiers: ClinVar variation 4983928 (VCV004983928.1).